The following is an entry in ClinVar:

ClinVar aggregate classification (germline): Uncertain significance (1 of 4 stars; one submission).

Conditions:
Ullrich congenital muscular dystrophy 2 (UCMD2). Identifiers: Orphanet 75840, MedGen C4225314, MONDO:0014654, OMIM 616470.
Bethlem myopathy 2 (BTHLM2). Identifiers: Orphanet 536516, Orphanet 610, MedGen C4225313, MONDO:0034022, OMIM 616471.

Submission:

Labcorp Genetics (formerly Invitae), Labcorp
Classification: Uncertain significance for Bethlem myopathy 2; Ullrich congenital muscular dystrophy 2. Last evaluated: 2022-02-17. Review status: criteria provided, single submitter. Criteria: Invitae Variant Classification Sherloc (09022015). Collection method: clinical testing. Allele origin: germline.
Comment: This sequence change replaces valine, which is neutral and non-polar, with alanine, which is neutral and non-polar, at codon 2272 of the COL12A1 protein (p.Val2272Ala). This variant is not present in population databases (gnomAD no frequency). This variant has not been reported in the literature in individuals affected with COL12A1-related conditions. Algorithms developed to predict the effect of missense changes on protein structure and function are either unavailable or do not agree on the potential impact of this missense change (SIFT: "Deleterious"; PolyPhen-2: "Benign"; Align-GVGD: "Class C0"). Algorithms developed to predict the effect of sequence changes on RNA splicing suggest that this variant may disrupt the consensus splice site. In summary, the available evidence is currently insufficient to determine the role of this variant in disease. Therefore, it has been classified as a Variant of Uncertain Significance.

NM_004370.6(COL12A1):c.6815T>C (p.Val2272Ala)

Gene: COL12A1 (collagen type XII alpha 1 chain; minus strand). Cytogenetic location: 6q13.
Variant type: single nucleotide variant.
Coding change: c.6815T>C on transcript NM_004370.6 (MANE Select); coding-DNA position 6815, T replaced by C.
Protein change: p.Val2272Ala; replaces valine 2272 with alanine.
Molecular consequence: missense variant.
Genome position (GRCh38, 1-based): chr6:75,124,004, A>G on the plus strand (T>C on the coding strand, the complement: COL12A1 is on the minus strand). VCF-style: chr6-75124004-A-G. GRCh37 (hg19) VCF-style: chr6-75833720-A-G.
Other names: c.3323T>C, p.Val1108Ala (NM_080645.3); short protein forms V1108A, V2272A.
Identifiers: ClinVar variation 2159570 (VCV002159570.4), dbSNP rs2533228870, ClinGen allele CA364728445.